The following is an entry in ClinVar:

ClinVar aggregate classification (germline): Likely pathogenic (0 of 4 stars; one submission).

Conditions:
Glycine encephalopathy. Also called: Nonketotic hyperglycinemia; Non-ketotic hyperglycinemia. Identifiers: Orphanet 407, MedGen C0751748, MONDO:0011612, HP:0008288.

Submission:

Juha Muilu Group; Institute for Molecular Medicine Finland (FIMM)
Classification: Likely pathogenic for Non-ketotic hyperglycinemia. Review status: no assertion criteria provided. Collection method: not provided. Allele origin: unknown.
Comment: FinDis database variant: This variant was not found or characterized by our laboratory, data were collected from public sources: see reference
ClinVar note: Converted during submission from probable-pathogenic to Likely pathogenic.

NM_000170.3(GLDC):c.1175del (p.Ala392fs)

Gene: GLDC (glycine decarboxylase; minus strand). Cytogenetic location: 9p24.1.
Variant type: Deletion.
Coding change: c.1175del on transcript NM_000170.3 (MANE Select); coding-DNA position 1175, one base deleted (C; older notation c.1175delC).
Protein change: p.Ala392fs; shifts the reading frame from alanine 392.
Molecular consequence: frameshift variant.
Genome position (GRCh38, 1-based): chr9:6,595,100, G deleted on the plus strand (C on the coding strand, the reverse complement: GLDC is on the minus strand). VCF-style (leftmost placement, unchanged base first): chr9-6595099-AG-A. GRCh37 (hg19) VCF-style: chr9-6595099-AG-A.
Other names: c.1175delC (NM_000170.2); short protein forms A392fs.
Identifiers: ClinVar variation 56039 (VCV000056039.2), dbSNP rs386833520, ClinGen allele CA263286.